The following is an entry in ClinVar:

ClinVar aggregate classification (germline): Pathogenic (1 of 4 stars; one submission).

Conditions:
Fanconi anemia (FA). Also called: Fanconi's anemia. Identifiers: Orphanet 84, MedGen C0015625, MeSH D005199, MONDO:0019391.

Submission:

Labcorp Genetics (formerly Invitae), Labcorp
Classification: Pathogenic for Fanconi anemia. Last evaluated: 2024-07-21. Review status: criteria provided, single submitter. Criteria: Invitae Variant Classification Sherloc (09022015). Collection method: clinical testing. Allele origin: germline.
Comment: This sequence change creates a premature translational stop signal (p.Gln22*) in the FANCI gene. It is expected to result in an absent or disrupted protein product. Loss-of-function variants in FANCI are known to be pathogenic (PMID: 17452773, 17460694). This variant is not present in population databases (gnomAD no frequency). This variant has not been reported in the literature in individuals affected with FANCI-related conditions. For these reasons, this variant has been classified as Pathogenic.

Literature cited by the submitters: PubMed 17452773; PubMed 17460694.

NM_001113378.2(FANCI):c.64C>T (p.Gln22Ter)

Gene: FANCI (FA complementation group I; plus strand). Cytogenetic location: 15q26.1.
Variant type: single nucleotide variant.
Coding change: c.64C>T on transcript NM_001113378.2 (MANE Select); coding-DNA position 64, C replaced by T.
Protein change: p.Gln22Ter; replaces glutamine 22 with a stop codon.
Molecular consequence: nonsense. On other transcripts: 5 prime UTR variant (1).
Genome position (GRCh38, 1-based): chr15:89,247,711, C>T. VCF-style: chr15-89247711-C-T. GRCh37 (hg19) VCF-style: chr15-89790942-C-T.
Other names: c.-211C>T (NM_001376910.1); c.64C>T, p.Gln22Ter (NM_001376911.1, NM_018193.3); short protein forms Q22*.
Identifiers: ClinVar variation 3613622 (VCV003613622.2).